The following is an entry in ClinVar:

ClinVar aggregate classification (germline): Uncertain significance. Review status: criteria provided, multiple submitters, no conflicts (2 of 4 stars). 2 submissions from 2 submitters: Uncertain significance (2). Last evaluated 2023-05-28.

Allele frequency attached by ClinVar (database versions not stated): TOPMed below 0.00001; gnomAD 0.00001.
gnomAD v4.1: 2 of 1,613,922 alleles (0.00012%); highest among the groups gnomAD compares: African/African-American, 0.0013%; no homozygotes.

Submissions (2):

Labcorp Genetics (formerly Invitae), Labcorp
Classification: Uncertain significance. Last evaluated: 2023-05-28. Review status: criteria provided, single submitter. Criteria: Invitae Variant Classification Sherloc (09022015). Collection method: clinical testing. Allele origin: germline.
Comment: In summary, the available evidence is currently insufficient to determine the role of this variant in disease. Therefore, it has been classified as a Variant of Uncertain Significance. Advanced modeling of protein sequence and biophysical properties (such as structural, functional, and spatial information, amino acid conservation, physicochemical variation, residue mobility, and thermodynamic stability) has been performed at Invitae for this missense variant, however the output from this modeling did not meet the statistical confidence thresholds required to predict the impact of this variant on KMT2A protein function. ClinVar contains an entry for this variant (Variation ID: 1306129). This variant has not been reported in the literature in individuals affected with KMT2A-related conditions. The frequency data for this variant in the population databases is considered unreliable, as metrics indicate poor data quality at this position in the gnomAD database. This sequence change replaces arginine, which is basic and polar, with histidine, which is basic and polar, at codon 3822 of the KMT2A protein (p.Arg3822His).

GeneDx
Classification: Uncertain significance. Last evaluated: 2020-01-29. Review status: criteria provided, single submitter. Criteria: GeneDx Variant Classification Process June 2021. Collection method: clinical testing. Allele origin: germline. Affected: yes.
Comment: In silico analysis, which includes protein predictors and evolutionary conservation, supports a deleterious effect; Has not been previously published as pathogenic or benign to our knowledge

NM_001197104.2(KMT2A):c.11465G>A (p.Arg3822His)

Genes: KMT2A (lysine methyltransferase 2A; plus strand), TTC36-AS1 (TTC36 and KMT2A antisense RNA 1; minus strand). Cytogenetic location: 11q23.3.
Variant type: single nucleotide variant.
Coding change: c.11465G>A on transcript NM_001197104.2 (MANE Select); coding-DNA position 11465, G replaced by A.
Protein change: p.Arg3822His; replaces arginine 3822 with histidine.
Molecular consequence: missense variant.
Genome position (GRCh38, 1-based): chr11:118,520,837, G>A. VCF-style: chr11-118520837-G-A. GRCh37 (hg19) VCF-style: chr11-118391552-G-A.
Other names: c.11456G>A, p.Arg3819His (NM_005933.4); short protein forms R3819H, R3822H.
Identifiers: ClinVar variation 1306129 (VCV001306129.5), dbSNP rs1330841358, ClinGen allele CA382835130.
Genomic context (GRCh38, chr11:118,520,837, plus strand): 5'-GTTAATAGTATGTCTTATCTCTTAGGAGGGCAACTAGCATGGATCTGCCAATGCCCATGC[G>A]CTTCCGGCACTTAAAAAAGACTTCTAAGGAGGCAGTTGGTGTCTACAGGTATGACTAAAA-3'
Protein context (NP_001184033.1, residues 3812-3832): ATSMDLPMPM[Arg3822His]FRHLKKTSKE